The following is an entry in ClinVar:

ClinVar aggregate classification (germline): Likely benign (0 of 4 stars; one submission).

Conditions:
CTTNBP2-related disorder. Also called: CTTNBP2-related condition.

Allele frequency attached by ClinVar (database versions not stated): ExAC 0.00058; ESP Exome Variant Server 0.00154; 1000 Genomes Project 0.00180; gnomAD 0.00182; TOPMed 0.00197; 1000 Genomes Project 30x 0.00219.
gnomAD v4.1: 525 of 1,614,132 alleles (0.033%); highest among the groups gnomAD compares: African/African-American, 0.64%; 1 homozygote.

Submission:

PreventionGenetics, part of Exact Sciences
Classification: Likely benign for CTTNBP2-related condition. Last evaluated: 2024-01-12. Review status: no assertion criteria provided. Collection method: clinical testing. Allele origin: germline.
Comment: This variant is classified as likely benign based on ACMG/AMP sequence variant interpretation guidelines (Richards et al. 2015 PMID: 25741868, with internal and published modifications).

NM_033427.3(CTTNBP2):c.1942C>G (p.Gln648Glu)

Gene: CTTNBP2 (cortactin binding protein 2; minus strand). Cytogenetic location: 7q31.31.
Variant type: single nucleotide variant.
Coding change: c.1942C>G on transcript NM_033427.3 (MANE Select); coding-DNA position 1942, C replaced by G.
Protein change: p.Gln648Glu; replaces glutamine 648 with glutamic acid.
Molecular consequence: missense variant. On other transcripts: intron variant (2).
Genome position (GRCh38, 1-based): chr7:117,791,254, G>C on the plus strand (C>G on the coding strand, the complement: CTTNBP2 is on the minus strand). VCF-style: chr7-117791254-G-C. GRCh37 (hg19) VCF-style: chr7-117431308-G-C.
Other names: c.1888C>G, p.Gln630Glu (NM_001363349.1); c.-30+37C>G (NM_001363351.1, NM_001363350.1); short protein forms Q630E, Q648E.
Identifiers: ClinVar variation 3039389 (VCV003039389.2), dbSNP rs116692992, ClinGen allele CA4452631.